The following is an entry in ClinVar:

ClinVar aggregate classification (germline): Uncertain significance (1 of 4 stars; one submission).

Submission:

Seattle Children's Hospital Molecular Genetics Laboratory, Seattle Children's Hospital
Classification: Uncertain significance. Last evaluated: 2020-04-29. Review status: criteria provided, single submitter. Criteria: ACMG Guidelines, 2015. Collection method: clinical testing. Allele origin: germline. Affected: yes.
Comment: This variant substitutes the glutamine at position 93 with leucine. In silico tools have conflicting predictions regarding the impact of this variant, but the majority predict that this is a benign change (9 benign predictions from DANN, EIGEN, FATHMM-MKL, MVP, MutationAssessor, MutationTaster, PrimateAI, REVEL and SIFT versus 2 pathogenic predictions from DEOGEN2 and M-CAP). This variant has not been observed in public databases (absent from Genome Aggregation Database v2.1). This variant has also not been reported in patient databases (absent from ClinVar and Human Gene Mutation Database). While this particular variant has not been reported before, missense changes involving neighboring residues (p.Thr92Asn, p.Glu87Asp) have been reported as pathogenic TYMP variants (PMID: 17294068, PMID: 15781193, PMID: 23838601).

NM_001953.5(TYMP):c.278A>T (p.Gln93Leu)

Genes: TYMP (thymidine phosphorylase; minus strand), LOC130067864 (ATAC-STARR-seq lymphoblastoid active region 19325; plus strand). Cytogenetic location: 22q13.33.
Variant type: single nucleotide variant.
Coding change: c.278A>T on transcript NM_001953.5 (MANE Select); coding-DNA position 278, A replaced by T.
Protein change: p.Gln93Leu; replaces glutamine 93 with leucine.
Molecular consequence: missense variant.
Genome position (GRCh38, 1-based): chr22:50,529,275, T>A on the plus strand (A>T on the coding strand, the complement: TYMP is on the minus strand). VCF-style: chr22-50529275-T-A. GRCh37 (hg19) VCF-style: chr22-50967704-T-A.
Other names: c.278A>T, p.Gln93Leu (NM_001113755.3, NM_001113756.3, NM_001257988.1 and 1 more transcripts); short protein forms Q93L.
Identifiers: ClinVar variation 1691348 (VCV001691348.2), dbSNP rs2148682826, ClinGen allele CA412202190.